The following is an entry in ClinVar:

ClinVar aggregate classification (germline): Uncertain significance (1 of 4 stars; one submission).

Submission:

Labcorp Genetics (formerly Invitae), Labcorp
Classification: Uncertain significance. Last evaluated: 2023-03-15. Review status: criteria provided, single submitter. Criteria: Invitae Variant Classification Sherloc (09022015). Collection method: clinical testing. Allele origin: germline.
Comment: In summary, the available evidence is currently insufficient to determine the role of this variant in disease. Therefore, it has been classified as a Variant of Uncertain Significance. Experimental studies and prediction algorithms are not available or were not evaluated, and the functional significance of this variant is currently unknown. This variant has not been reported in the literature in individuals affected with TLR7-related conditions. This variant is not present in population databases (gnomAD no frequency). This variant, c.1334_1336del, results in the deletion of 1 amino acid(s) of the TLR7 protein (p.Cys445del), but otherwise preserves the integrity of the reading frame.

NM_016562.4(TLR7):c.1334_1336del (p.Cys445del)

Gene: TLR7 (toll like receptor 7; plus strand). Cytogenetic location: Xp22.2.
Variant type: Deletion.
Coding change: c.1334_1336del on transcript NM_016562.4 (MANE Select); coding-DNA positions 1334 to 1336, 3 bases deleted (GCT; older notation c.1334_1336delGCT).
Protein change: p.Cys445del; deletes cysteine 445.
Molecular consequence: inframe deletion.
Genome position (GRCh38, 1-based): chrX:12,886,842-12,886,844, GCT deleted; deleting any 3 consecutive bases within chrX:12,886,840-12,886,844 gives the same sequence; the c. name uses the placement nearest the transcript's 3' end. VCF-style (leftmost placement, unchanged base first): chrX-12886839-TCTG-T. GRCh37 (hg19) VCF-style: chrX-12904958-TCTG-T.
Other names: short protein forms C445del.
Identifiers: ClinVar variation 2846043 (VCV002846043.3), dbSNP rs2518438207, ClinGen allele CA2739268077.